The following is an entry in ClinVar:

ClinVar aggregate classification (germline): Pathogenic. Review status: criteria provided, multiple submitters, no conflicts (2 of 4 stars). 3 submissions from 3 submitters: Pathogenic (3). Last evaluated 2023-08-11.

Conditions:
Lynch syndrome 5 (LYNCH5). Also called: Colorectal cancer, hereditary nonpolyposis, type 5; Hereditary non-polyposis colorectal cancer, type 5. Identifiers: Orphanet 144, MedGen C1833477, MONDO:0013710, OMIM 614350. Disease mechanism: loss of function.
Hereditary nonpolyposis colorectal neoplasms. Identifiers: MedGen C0009405, MeSH D003123.
Hereditary cancer-predisposing syndrome. Also called: Tumor predisposition; Neoplastic Syndromes, Hereditary; Hereditary Cancer Syndrome; Hereditary neoplastic syndrome. Identifiers: Orphanet 140162, MedGen C0027672, MeSH D009386, MONDO:0015356.

Submissions (3):

Myriad Genetics, Inc.
Classification: Pathogenic for Lynch syndrome 5. Last evaluated: 2023-08-11. Review status: criteria provided, single submitter. Criteria: Myriad Autosomal Dominant, Autosomal Recessive and X-Linked Classification Criteria (2023). Collection method: clinical testing. Allele origin: unknown.
Comment: This variant is considered pathogenic. This variant creates a termination codon and is predicted to result in premature protein truncation.

Ambry Genetics
Classification: Pathogenic for Hereditary cancer-predisposing syndrome. Last evaluated: 2023-03-13. Review status: criteria provided, single submitter. Criteria: Ambry Variant Classification Scheme 2023. Collection method: clinical testing. Allele origin: germline.
Comment: The p.W365* pathogenic mutation (also known as c.1095G>A), located in coding exon 4 of the MSH6 gene, results from a G to A substitution at nucleotide position 1095. This changes the amino acid from a tryptophan to a stop codon within coding exon 4. This alteration is expected to result in loss of function by premature protein truncation or nonsense-mediated mRNA decay. As such, this alteration is interpreted as a disease-causing mutation.

Labcorp Genetics (formerly Invitae), Labcorp
Classification: Pathogenic for Hereditary nonpolyposis colorectal neoplasms. Last evaluated: 2022-06-10. Review status: criteria provided, single submitter. Criteria: Invitae Variant Classification Sherloc (09022015). Collection method: clinical testing. Allele origin: germline.
Comment: The frequency data for this variant in the population databases is considered unreliable, as metrics indicate poor data quality at this position in the gnomAD database. This sequence change creates a premature translational stop signal (p.Trp365*) in the MSH6 gene. It is expected to result in an absent or disrupted protein product. Loss-of-function variants in MSH6 are known to be pathogenic (PMID: 18269114, 24362816). This variant has not been reported in the literature in individuals affected with MSH6-related conditions. For these reasons, this variant has been classified as Pathogenic.

Literature cited by the submitters: PubMed 18269114 (cited by Labcorp Genetics (formerly Invitae), Labcorp); PubMed 24362816 (cited by Labcorp Genetics (formerly Invitae), Labcorp).

NM_000179.3(MSH6):c.1095G>A (p.Trp365Ter)

Gene: MSH6 (mutS homolog 6; plus strand). Cytogenetic location: 2p16.3.
Variant type: single nucleotide variant.
Coding change: c.1095G>A on transcript NM_000179.3 (MANE Select); coding-DNA position 1095, G replaced by A.
Protein change: p.Trp365Ter; replaces tryptophan 365 with a stop codon.
Molecular consequence: nonsense.
Genome position (GRCh38, 1-based): chr2:47,799,078, G>A. VCF-style: chr2-47799078-G-A. GRCh37 (hg19) VCF-style: chr2-48026217-G-A.
Other names: c.705G>A, p.Trp235Ter (NM_001281492.2); c.189G>A, p.Trp63Ter (NM_001281493.2, NM_001281494.2); c.1095G>A (NM_000179.2); short protein forms W235*, W365*, W63*.
Identifiers: ClinVar variation 1453755 (VCV001453755.9), dbSNP rs1272484865, ClinGen allele CA346741875.